The following is an entry in ClinVar:

ClinVar aggregate classification (germline): Benign. Review status: criteria provided, multiple submitters, no conflicts (2 of 4 stars). 15 submissions from 14 submitters: Benign (11). 4 of the submissions do not count toward it. Last evaluated 2026-02-04.

Conditions:
Cardiovascular phenotype. Identifiers: MedGen CN230736.
Familial hyperaldosteronism type III. Also called: Familial hyperaldosteronism type 3; FH III. Identifiers: Orphanet 251274, MedGen C3838758, MONDO:0013359, OMIM 613677.
Long QT syndrome (LQTS). Identifiers: MedGen C0023976, MeSH D008133, MONDO:0002442. Disease mechanism: loss of function. Inheritance: Various modes of inheritance.
Long QT syndrome 13 (LQT13). Identifiers: Orphanet 101016, Orphanet 768, MedGen C3150733, MONDO:0013279, OMIM 613485.

Allele frequency attached by ClinVar (database versions not stated): ExAC 0.84159; gnomAD 0.84299; ESP Exome Variant Server 0.84395; TOPMed 0.84934; 1000 Genomes Project 30x 0.86665; 1000 Genomes Project 0.86701.
gnomAD v4.1: 1,330,453 of 1,613,232 alleles (82%); highest among the groups gnomAD compares: African/African-American, 90%; 549,567 homozygotes.

Submissions (15):

Labcorp Genetics (formerly Invitae), Labcorp
Classification: Benign for Long QT syndrome. Last evaluated: 2026-02-04. Review status: criteria provided, single submitter. Criteria: Invitae Variant Classification Sherloc (09022015). Collection method: clinical testing. Allele origin: germline.

Blueprint Genetics
Classification: Benign. Last evaluated: 2024-11-27. Review status: criteria provided, single submitter. Criteria: ACMG Guidelines, 2015. Collection method: clinical testing. Allele origin: germline.

Women's Health and Genetics/Laboratory Corporation of America, LabCorp
Classification: Benign. Last evaluated: 2023-04-04. Review status: criteria provided, single submitter. Criteria: LabCorp Variant Classification Summary - May 2015. Collection method: clinical testing. Allele origin: germline.

Mayo Clinic Laboratories, Mayo Clinic
Classification: Benign. Last evaluated: 2022-03-09. Review status: criteria provided, single submitter. Criteria: ACMG Guidelines, 2015. Collection method: clinical testing. Allele origin: germline. Observed: 554 variant alleles.

Genome-Nilou Lab
Classification: Benign for Familial hyperaldosteronism type III. Last evaluated: 2021-08-19. Review status: criteria provided, single submitter. Criteria: ACMG Guidelines, 2015. Collection method: clinical testing. Allele origin: germline. Affected: no.

Genome-Nilou Lab
Classification: Benign for Long QT syndrome 13. Last evaluated: 2021-08-19. Review status: criteria provided, single submitter. Criteria: ACMG Guidelines, 2015. Collection method: clinical testing. Allele origin: germline. Affected: no.

Illumina Laboratory Services, Illumina
Classification: Benign for Familial hyperaldosteronism type III. Last evaluated: 2018-01-13. Review status: criteria provided, single submitter. Criteria: ICSL Variant Classification Criteria 13 December 2019. Collection method: clinical testing. Allele origin: germline.
Comment: This variant was observed in the ICSL laboratory as part of a predisposition screen in an ostensibly healthy population. It had not been previously curated by ICSL or reported in the Human Gene Mutation Database (HGMD: prior to June 1st, 2018), and was therefore a candidate for classification through an automated scoring system. Utilizing variant allele frequency, disease prevalence and penetrance estimates, and inheritance mode, an automated score was calculated to assess if this variant is too frequent to cause the disease. Based on the score and internal cut-off values, a variant classified as benign is not then subjected to further curation. The score for this variant resulted in a classification of benign for this disease.

Ambry Genetics
Classification: Benign for Cardiovascular phenotype. Last evaluated: 2015-06-12. Review status: criteria provided, single submitter. Criteria: Ambry Variant Classification Scheme 2023. Collection method: clinical testing. Allele origin: germline.

GeneDx
Classification: Benign. Last evaluated: 2013-11-12. Review status: criteria provided, single submitter. Criteria: GeneDx Variant Classification (06012015). Collection method: clinical testing. Allele origin: germline. Affected: yes.
Comment: This variant is considered likely benign or benign based on one or more of the following criteria: it is a conservative change, it occurs at a poorly conserved position in the protein, it is predicted to be benign by multiple in silico algorithms, and/or has population frequency not consistent with disease.

Breakthrough Genomics
Classification: Benign. Review status: criteria provided, single submitter. Criteria: ACMG Guidelines, 2015. Collection method: not provided. Allele origin: germline. Inheritance: Autosomal dominant inheritance. Affected: yes.

PreventionGenetics, part of Exact Sciences
Classification: Benign. Review status: criteria provided, single submitter. Criteria: ACMG Guidelines, 2015. Collection method: clinical testing. Allele origin: germline.

Clinical Genetics, Academic Medical Center
Classification: Benign. Review status: no assertion criteria provided. Collection method: clinical testing. Allele origin: germline. Affected: yes. Study: VKGL Data-share Consensus. Not counted in ClinVar's aggregate classification.

Diagnostic Laboratory, Department of Genetics, University Medical Center Groningen
Classification: Benign. Review status: no assertion criteria provided. Collection method: clinical testing. Allele origin: germline. Affected: yes. Study: VKGL Data-share Consensus. Not counted in ClinVar's aggregate classification.

Genome Diagnostics Laboratory, University Medical Center Utrecht
Classification: Benign. Review status: no assertion criteria provided. Collection method: clinical testing. Allele origin: germline. Affected: yes. Study: VKGL Data-share Consensus. Not counted in ClinVar's aggregate classification.

Joint Genome Diagnostic Labs from Nijmegen and Maastricht, Radboudumc and MUMC+
Classification: Benign. Review status: no assertion criteria provided. Collection method: clinical testing. Allele origin: germline. Affected: yes. Study: VKGL Data-share Consensus. Not counted in ClinVar's aggregate classification.

NM_000890.5(KCNJ5):c.834T>C (p.His278=)

Gene: KCNJ5 (potassium inwardly rectifying channel subfamily J member 5; plus strand). Cytogenetic location: 11q24.3.
Variant type: single nucleotide variant.
Coding change: c.834T>C on transcript NM_000890.5 (MANE Select); coding-DNA position 834, T replaced by C.
Protein change: p.His278=; no amino-acid change (histidine 278 retained).
Molecular consequence: synonymous variant.
Genome position (GRCh38, 1-based): chr11:128,912,107, T>C. VCF-style: chr11-128912107-T-C. GRCh37 (hg19) VCF-style: chr11-128782002-T-C.
Other names: p.H278H:CAT>CAC; p.His278=; c.834T>C, p.His278= (NM_001354169.2); c.834T>C (LRG_333t1).
Identifiers: ClinVar variation 137992 (VCV000137992.34), dbSNP rs7118833, ClinGen allele CA291755.